The following is an entry in ClinVar:

NM_017802.4(DNAAF5):c.1582G>T (p.Ala528Ser)

Gene: DNAAF5 (dynein axonemal assembly factor 5; plus strand). Cytogenetic location: 7p22.3.
Variant type: single nucleotide variant.
Coding change: c.1582G>T on transcript NM_017802.4 (MANE Select); coding-DNA position 1582, G replaced by T.
Protein change: p.Ala528Ser; replaces alanine 528 with serine.
Molecular consequence: missense variant. On other transcripts: non-coding transcript variant (1).
Genome position (GRCh38, 1-based): chr7:761,864, G>T. VCF-style: chr7-761864-G-T. GRCh37 (hg19) VCF-style: chr7-801501-G-T.
Other names: short protein forms A528S.
Identifiers: ClinVar variation 410296 (VCV000410296.9), dbSNP rs747552520, ClinGen allele CA4110787.

ClinVar aggregate classification (germline): Uncertain significance. Review status: criteria provided, multiple submitters, no conflicts (2 of 4 stars). 4 submissions from 4 submitters: Uncertain significance (4). Last evaluated 2026-05-14.

Conditions:
Primary ciliary dyskinesia. Also called: Ciliary dyskinesia. Identifiers: Orphanet 244, MedGen C0008780, MONDO:0016575, HP:0012265.

Allele frequency attached by ClinVar (database versions not stated): ExAC below 0.00001; gnomAD exomes below 0.00001 and 0.00006; TOPMed 0.00001; gnomAD 0.00003.
gnomAD v4.1: 86 of 1,586,708 alleles (0.0054%); highest among the groups gnomAD compares: Non-Finnish European, 0.0071%; no homozygotes.

Submissions (4):

Ambry Genetics
Classification: Uncertain significance for Primary ciliary dyskinesia. Last evaluated: 2026-05-14. Review status: criteria provided, single submitter. Criteria: Ambry Variant Classification Scheme 2023. Collection method: clinical testing. Allele origin: germline.
Comment: The p.A528S variant (also known as c.1582G>T), located in coding exon 7 of the DNAAF5 gene, results from a G to T substitution at nucleotide position 1582. The alanine at codon 528 is replaced by serine, an amino acid with similar properties. This amino acid position is conserved. In addition, this alteration is predicted to be tolerated by in silico analysis. Based on the available evidence, the clinical significance of this variant remains unclear.

Labcorp Genetics (formerly Invitae), Labcorp
Classification: Uncertain significance for Primary ciliary dyskinesia. Last evaluated: 2022-04-20. Review status: criteria provided, single submitter. Criteria: Invitae Variant Classification Sherloc (09022015). Collection method: clinical testing. Allele origin: germline.
Comment: This sequence change replaces alanine, which is neutral and non-polar, with serine, which is neutral and polar, at codon 528 of the DNAAF5 protein (p.Ala528Ser). The frequency data for this variant in the population databases is considered unreliable, as metrics indicate poor data quality at this position in the gnomAD database. This variant has not been reported in the literature in individuals affected with DNAAF5-related conditions. ClinVar contains an entry for this variant (Variation ID: 410296). Algorithms developed to predict the effect of missense changes on protein structure and function are either unavailable or do not agree on the potential impact of this missense change (SIFT: "Tolerated"; PolyPhen-2: "Possibly Damaging"; Align-GVGD: "Class C0"). In summary, the available evidence is currently insufficient to determine the role of this variant in disease. Therefore, it has been classified as a Variant of Uncertain Significance.

UNC Molecular Genetics  Laboratory, University of North Carolina at Chapel Hill
Classification: Uncertain significance for Primary ciliary dyskinesia. Last evaluated: 2021-06-24. Review status: criteria provided, single submitter. Criteria: ACMG Guidelines, 2015. Collection method: clinical testing. Allele origin: germline. Observed: 1 heterozygote.

GeneDx
Classification: Uncertain significance. Last evaluated: 2019-07-15. Review status: criteria provided, single submitter. Criteria: GeneDx Variant Classification Process June 2021. Collection method: clinical testing. Allele origin: germline. Affected: yes.
Comment: Has not been previously published as pathogenic or benign to our knowledge; In silico analysis, which includes protein predictors and evolutionary conservation, supports that this variant does not alter protein structure/function